The following is an entry in ClinVar:

NM_001298.3(CNGA3):c.931C>T (p.Leu311Phe)

Gene: CNGA3 (cyclic nucleotide gated channel subunit alpha 3; plus strand). Cytogenetic location: 2q11.2.
Variant type: single nucleotide variant.
Coding change: c.931C>T on transcript NM_001298.3 (MANE Select); coding-DNA position 931, C replaced by T.
Protein change: p.Leu311Phe; replaces leucine 311 with phenylalanine.
Molecular consequence: missense variant.
Genome position (GRCh38, 1-based): chr2:98,396,101, C>T. VCF-style: chr2-98396101-C-T. GRCh37 (hg19) VCF-style: chr2-99012564-C-T.
Other names: c.877C>T, p.Leu293Phe (NM_001079878.2); c.931C>T (NM_001298.2); short protein forms L293F, L311F.
Identifiers: ClinVar variation 1352754 (VCV001352754.6), dbSNP rs1290229054, ClinGen allele CA347832454.

ClinVar aggregate classification (germline): Uncertain significance. Review status: criteria provided, multiple submitters, no conflicts (2 of 4 stars). 2 submissions from 2 submitters: Uncertain significance (2). Last evaluated 2024-12-14.

Conditions:
Inborn genetic diseases. Identifiers: MedGen C0950123, MeSH D030342.

Allele frequency attached by ClinVar (database versions not stated): gnomAD exomes 0.00001; TOPMed below 0.00001.

Submissions (2):

Ambry Genetics
Classification: Uncertain significance for Inborn genetic diseases. Last evaluated: 2024-12-14. Review status: criteria provided, single submitter. Criteria: Ambry Variant Classification Scheme 2023. Collection method: clinical testing. Allele origin: germline.

Labcorp Genetics (formerly Invitae), Labcorp
Classification: Uncertain significance. Last evaluated: 2022-06-13. Review status: criteria provided, single submitter. Criteria: Invitae Variant Classification Sherloc (09022015). Collection method: clinical testing. Allele origin: germline.
Comment: This sequence change replaces leucine, which is neutral and non-polar, with phenylalanine, which is neutral and non-polar, at codon 311 of the CNGA3 protein (p.Leu311Phe). This variant is present in population databases (no rsID available, gnomAD 0.009%). This variant has not been reported in the literature in individuals affected with CNGA3-related conditions. Advanced modeling of protein sequence and biophysical properties (such as structural, functional, and spatial information, amino acid conservation, physicochemical variation, residue mobility, and thermodynamic stability) performed at Invitae indicates that this missense variant is expected to disrupt CNGA3 protein function. In summary, the available evidence is currently insufficient to determine the role of this variant in disease. Therefore, it has been classified as a Variant of Uncertain Significance.